The following is an entry in ClinVar:

ClinVar aggregate classification (germline): Likely benign. Review status: criteria provided, multiple submitters, no conflicts (2 of 4 stars). 3 submissions from 3 submitters: Likely benign (2). 1 of the submissions does not count toward it. Last evaluated 2024-11-21.

Conditions:
SYCP2-related disorder. Also called: SYCP2-related condition.

Allele frequency attached by ClinVar (database versions not stated): 1000 Genomes Project 0.00140; 1000 Genomes Project 30x 0.00156; ESP Exome Variant Server 0.00365; gnomAD 0.00369; TOPMed 0.00370; ExAC 0.00462; gnomAD exomes 0.00521.
gnomAD v4.1: 7,120 of 1,431,402 alleles (0.5%); highest among the groups gnomAD compares: Non-Finnish European, 0.62%; 25 homozygotes.

Submissions (15):

Blueprint Genetics
Classification: Likely benign. Last evaluated: 2024-11-21. Review status: criteria provided, single submitter. Criteria: ACMG Guidelines, 2015. Collection method: clinical testing. Allele origin: germline.

CeGaT Center for Human Genetics Tuebingen
Classification: Likely benign. Last evaluated: 2023-03-01. Review status: criteria provided, single submitter. Criteria: CeGaT Center For Human Genetics Tuebingen Variant Classification Criteria Version 2. Collection method: clinical testing. Allele origin: germline. Affected: yes. Observed: 1 variant allele.
Comment: SYCP2: BP4, BS2

PreventionGenetics, part of Exact Sciences
Classification: Likely benign for SYCP2-related condition. Last evaluated: 2022-12-22. Review status: no assertion criteria provided. Collection method: clinical testing. Allele origin: germline. Not counted in ClinVar's aggregate classification.
Comment: This variant is classified as likely benign based on ACMG/AMP sequence variant interpretation guidelines (Richards et al. 2015 PMID: 25741868, with internal and published modifications).

Dr. Peter K. Rogan Lab, Western University
No classification provided (evidence only). Condition: Malignant tumor of urinary bladder. Review status: no classification provided. Collection method: in vitro. Allele origin: not applicable. Functional consequence: retained intron. Not counted in ClinVar's aggregate classification.

Dr. Peter K. Rogan Lab, Western University
No classification provided (evidence only). Condition: Clear cell carcinoma of kidney. Review status: no classification provided. Collection method: in vitro. Allele origin: not applicable. Functional consequence: retained intron. Not counted in ClinVar's aggregate classification.

Dr. Peter K. Rogan Lab, Western University
No classification provided (evidence only). Condition: Clear cell carcinoma of kidney. Review status: no classification provided. Collection method: in vitro. Allele origin: not applicable. Functional consequence: retained intron. Not counted in ClinVar's aggregate classification.

Dr. Peter K. Rogan Lab, Western University
No classification provided (evidence only). Condition: Familial cancer of breast. Review status: no classification provided. Collection method: in vitro. Allele origin: not applicable. Functional consequence: retained intron. Not counted in ClinVar's aggregate classification.

Dr. Peter K. Rogan Lab, Western University
No classification provided (evidence only). Condition: Thyroid cancer, nonmedullary, 1. Review status: no classification provided. Collection method: in vitro. Allele origin: not applicable. Functional consequence: retained intron. Not counted in ClinVar's aggregate classification.

Dr. Peter K. Rogan Lab, Western University
No classification provided (evidence only). Condition: Cervical cancer. Review status: no classification provided. Collection method: in vitro. Allele origin: not applicable. Functional consequence: retained intron. Not counted in ClinVar's aggregate classification.

Dr. Peter K. Rogan Lab, Western University
No classification provided (evidence only). Condition: Sarcoma. Review status: no classification provided. Collection method: in vitro. Allele origin: not applicable. Functional consequence: retained intron. Not counted in ClinVar's aggregate classification.

Dr. Peter K. Rogan Lab, Western University
No classification provided (evidence only). Condition: Hepatocellular carcinoma. Review status: no classification provided. Collection method: in vitro. Allele origin: not applicable. Functional consequence: retained intron. Not counted in ClinVar's aggregate classification.

Dr. Peter K. Rogan Lab, Western University
No classification provided (evidence only). Condition: Hepatocellular carcinoma. Review status: no classification provided. Collection method: in vitro. Allele origin: not applicable. Functional consequence: retained intron. Not counted in ClinVar's aggregate classification.

Dr. Peter K. Rogan Lab, Western University
No classification provided (evidence only). Condition: Ovarian serous cystadenocarcinoma. Review status: no classification provided. Collection method: in vitro. Allele origin: not applicable. Functional consequence: retained intron. Not counted in ClinVar's aggregate classification.

Dr. Peter K. Rogan Lab, Western University
No classification provided (evidence only). Condition: Gastric cancer. Review status: no classification provided. Collection method: in vitro. Allele origin: not applicable. Functional consequence: retained intron. Not counted in ClinVar's aggregate classification.

Dr. Peter K. Rogan Lab, Western University
No classification provided (evidence only). Condition: Uterine carcinosarcoma. Review status: no classification provided. Collection method: in vitro. Allele origin: not applicable. Functional consequence: retained intron. Not counted in ClinVar's aggregate classification.

NM_014258.4(SYCP2):c.4368C>T (p.Ser1456=)

Gene: SYCP2 (synaptonemal complex protein 2; minus strand). Cytogenetic location: 20q13.33.
Variant type: single nucleotide variant.
Coding change: c.4368C>T on transcript NM_014258.4 (MANE Select); coding-DNA position 4368, C replaced by T.
Protein change: p.Ser1456=; no amino-acid change (serine 1456 retained).
Molecular consequence: synonymous variant.
Genome position (GRCh38, 1-based): chr20:59,865,818, G>A on the plus strand (C>T on the coding strand, the complement: SYCP2 is on the minus strand). VCF-style: chr20-59865818-G-A. GRCh37 (hg19) VCF-style: chr20-58440873-G-A.
Other names: NC_000020.10:g.58440873G>A; c.4368C>T (NM_014258.3).
Identifiers: ClinVar variation 2498889 (VCV002498889.31), dbSNP rs151218291, ClinGen allele CA9931225.